The following is an entry in ClinVar:

NM_021167.5(GATAD1):c.762G>A (p.Gly254=)

Gene: GATAD1 (GATA zinc finger domain containing 1; plus strand). Cytogenetic location: 7q21.2.
Variant type: single nucleotide variant.
Coding change: c.762G>A on transcript NM_021167.5 (MANE Select); coding-DNA position 762, G replaced by A.
Protein change: p.Gly254=; no amino-acid change (glycine 254 retained).
Molecular consequence: synonymous variant. On other transcripts: non-coding transcript variant (1).
Genome position (GRCh38, 1-based): chr7:92,456,514, G>A. VCF-style: chr7-92456514-G-A. GRCh37 (hg19) VCF-style: chr7-92085828-G-A.
Other names: p.G254G:GGG>GGA.
Identifiers: ClinVar variation 137448 (VCV000137448.66), dbSNP rs139637606, ClinGen allele CA176136.

ClinVar aggregate classification (germline): Benign/Likely benign. Review status: criteria provided, multiple submitters, no conflicts (2 of 4 stars). 12 submissions from 12 submitters: Benign (6); Likely benign (4). 2 of the submissions do not count toward it. Last evaluated 2026-01-26.

Conditions:
Cardiovascular phenotype. Identifiers: MedGen CN230736.
Dilated cardiomyopathy 2B. Identifiers: Orphanet 154, MedGen C3553409, MONDO:0013848, OMIM 614672.

Allele frequency attached by ClinVar (database versions not stated): 1000 Genomes Project 0.00080; 1000 Genomes Project 30x 0.00094; TOPMed 0.00139; gnomAD 0.00151 and 0.00160; ExAC 0.00185; gnomAD exomes 0.00188 and 0.00247; ESP Exome Variant Server 0.00238.
gnomAD v4.1: 3,836 of 1,612,746 alleles (0.24%); highest among the groups gnomAD compares: South Asian, 0.43%; 10 homozygotes.

Submissions (12):

Labcorp Genetics (formerly Invitae), Labcorp
Classification: Benign for Dilated cardiomyopathy 2B. Last evaluated: 2026-01-26. Review status: criteria provided, single submitter. Criteria: Invitae Variant Classification Sherloc (09022015). Collection method: clinical testing. Allele origin: germline.

CeGaT Center for Human Genetics Tuebingen
Classification: Likely benign. Last evaluated: 2025-06-01. Review status: criteria provided, single submitter. Criteria: CeGaT Center For Human Genetics Tuebingen Variant Classification Criteria Version 2. Collection method: clinical testing. Allele origin: germline. Affected: yes. Observed: 4 variant alleles.
Comment: GATAD1: BP4, BP7

Blueprint Genetics
Classification: Likely benign. Last evaluated: 2024-11-25. Review status: criteria provided, single submitter. Criteria: ACMG Guidelines, 2015. Collection method: clinical testing. Allele origin: germline.

Fulgent Genetics
Classification: Benign for Dilated cardiomyopathy 2B. Last evaluated: 2021-08-11. Review status: criteria provided, single submitter. Criteria: ACMG Guidelines, 2015. Collection method: clinical testing. Allele origin: unknown.

ARUP Laboratories, Molecular Genetics and Genomics, ARUP Laboratories
Classification: Likely benign for Dilated cardiomyopathy 2B. Last evaluated: 2021-03-02. Review status: criteria provided, single submitter. Criteria: ARUP Molecular Germline Variant Investigation Process 2021. Collection method: clinical testing. Allele origin: germline.

Ambry Genetics
Classification: Benign for Cardiovascular phenotype. Last evaluated: 2017-07-18. Review status: criteria provided, single submitter. Criteria: Ambry Variant Classification Scheme 2023. Collection method: clinical testing. Allele origin: germline.

Eurofins Ntd Llc (ga)
Classification: Likely benign. Last evaluated: 2014-10-17. Review status: criteria provided, single submitter. Criteria: EGL Classification Definitions 2015. Collection method: clinical testing. Allele origin: germline. Observed: 2 variant alleles, 2 heterozygotes.

Genome Diagnostics Laboratory, University Medical Center Utrecht
Classification: Benign for Dilated cardiomyopathy 2B. Last evaluated: 2014-10-10. Review status: criteria provided, single submitter. Criteria: ACGS Guidelines, 2013. Collection method: clinical testing. Allele origin: germline. Affected: yes. Study: VKGL Data-share Consensus.

GeneDx
Classification: Benign. Last evaluated: 2014-03-07. Review status: criteria provided, single submitter. Criteria: GeneDx Variant Classification (06012015). Collection method: clinical testing. Allele origin: germline. Affected: yes.
Comment: This variant is considered likely benign or benign based on one or more of the following criteria: it is a conservative change, it occurs at a poorly conserved position in the protein, it is predicted to be benign by multiple in silico algorithms, and/or has population frequency not consistent with disease.

Laboratory for Molecular Medicine, Mass General Brigham Personalized Medicine
Classification: Benign. Last evaluated: 2012-03-19. Review status: criteria provided, single submitter. Criteria: LMM Criteria. Collection method: clinical testing. Allele origin: germline. Observed: 7 variant alleles.
Comment: p.Gly254Gly in Exon 05 of GATAD1: This variant is not expected to have clinical significance because it does not alter an amino acid residue, is not located wit hin the splice consensus sequence and has been identified in 0.3% (24/7020) of E uropean American chromosomes from a broad population by the NHLBI Exome Sequenci ng Project (dbSNP rs139637606).

Clinical Genetics DNA and cytogenetics Diagnostics Lab, Erasmus MC, Erasmus Medical Center
Classification: Likely benign. Review status: no assertion criteria provided. Collection method: clinical testing. Allele origin: germline. Affected: yes. Study: VKGL Data-share Consensus. Not counted in ClinVar's aggregate classification.

Diagnostic Laboratory, Department of Genetics, University Medical Center Groningen
Classification: Likely benign for Dilated cardiomyopathy 2B. Review status: no assertion criteria provided. Collection method: clinical testing. Allele origin: germline. Affected: yes. Study: VKGL Data-share Consensus. Not counted in ClinVar's aggregate classification.